The following is an entry in ClinVar:

NM_000051.4(ATM):c.4579C>T (p.Leu1527Phe)

Gene: ATM (ATM serine/threonine kinase; plus strand). Cytogenetic location: 11q22.3.
Variant type: single nucleotide variant.
Coding change: c.4579C>T on transcript NM_000051.4 (MANE Select); coding-DNA position 4579, C replaced by T.
Protein change: p.Leu1527Phe; replaces leucine 1527 with phenylalanine.
Molecular consequence: missense variant.
Genome position (GRCh38, 1-based): chr11:108,292,761, C>T. VCF-style: chr11-108292761-C-T. GRCh37 (hg19) VCF-style: chr11-108163488-C-T.
Other names: c.4579C>T, p.Leu1527Phe (NM_001351834.2); c.4579C>T (NM_000051.3); short protein forms L1527F.
Identifiers: ClinVar variation 991002 (VCV000991002.6), dbSNP rs1555099997, ClinGen allele CA382533928.

ClinVar aggregate classification (germline): Uncertain significance. Review status: criteria provided, multiple submitters, no conflicts (2 of 4 stars). 3 submissions from 3 submitters: Uncertain significance (2). 1 of the submissions does not count toward it. Last evaluated 2025-08-31.

Conditions:
Hereditary cancer-predisposing syndrome. Also called: Tumor predisposition; Hereditary neoplastic syndrome; Neoplastic Syndromes, Hereditary; Hereditary Cancer Syndrome. Identifiers: Orphanet 140162, MedGen C0027672, MeSH D009386, MONDO:0015356.
Ataxia-telangiectasia syndrome (AT). Also called: ATAXIA-TELANGIECTASIA, COMPLEMENTATION GROUP A; ATAXIA-TELANGIECTASIA, FRESNO VARIANT; Ataxia-telangiectasia; Ataxia-telangiectasia, complementation group D; AT, COMPLEMENTATION GROUP C; Ataxia-telangiectasia, complementation group E. Identifiers: Orphanet 100, MedGen C0004135, MONDO:0008840, OMIM 208900.

Allele frequency attached by ClinVar (database versions not stated): gnomAD exomes below 0.00001.

Submissions (3):

Ambry Genetics
Classification: Uncertain significance for Hereditary cancer-predisposing syndrome. Last evaluated: 2025-08-31. Review status: criteria provided, single submitter. Criteria: Ambry Variant Classification Scheme 2023. Collection method: clinical testing. Allele origin: germline.
Comment: The p.L1527F variant (also known as c.4579C>T), located in coding exon 29 of the ATM gene, results from a C to T substitution at nucleotide position 4579. The leucine at codon 1527 is replaced by phenylalanine, an amino acid with highly similar properties. This amino acid position is conserved. In addition, this alteration is predicted to be tolerated by in silico analysis. Since supporting evidence is limited at this time, the clinical significance of this alteration remains unclear.

Labcorp Genetics (formerly Invitae), Labcorp
Classification: Uncertain significance for Ataxia-telangiectasia syndrome. Last evaluated: 2025-01-14. Review status: criteria provided, single submitter. Criteria: Invitae Variant Classification Sherloc (09022015). Collection method: clinical testing. Allele origin: germline.
Comment: This sequence change replaces leucine, which is neutral and non-polar, with phenylalanine, which is neutral and non-polar, at codon 1527 of the ATM protein (p.Leu1527Phe). This variant is not present in population databases (gnomAD no frequency). This variant has not been reported in the literature in individuals affected with ATM-related conditions. ClinVar contains an entry for this variant (Variation ID: 991002). Invitae Evidence Modeling of protein sequence and biophysical properties (such as structural, functional, and spatial information, amino acid conservation, physicochemical variation, residue mobility, and thermodynamic stability) indicates that this missense variant is not expected to disrupt ATM protein function with a negative predictive value of 95%. In summary, the available evidence is currently insufficient to determine the role of this variant in disease. Therefore, it has been classified as a Variant of Uncertain Significance.

Natera, Inc.
Classification: Uncertain significance for Ataxia-telangiectasia. Last evaluated: 2020-08-16. Review status: no assertion criteria provided. Collection method: clinical testing. Allele origin: germline. Not counted in ClinVar's aggregate classification.